The following is an entry in ClinVar:

ClinVar aggregate classification (germline): Uncertain significance (1 of 4 stars; one submission).

Submission:

Labcorp Genetics (formerly Invitae), Labcorp
Classification: Uncertain significance. Last evaluated: 2025-01-07. Review status: criteria provided, single submitter. Criteria: Invitae Variant Classification Sherloc (09022015). Collection method: clinical testing. Allele origin: germline.
Comment: This sequence change replaces threonine, which is neutral and polar, with asparagine, which is neutral and polar, at codon 681 of the WFS1 protein (p.Thr681Asn). This variant is not present in population databases (gnomAD no frequency). This variant has not been reported in the literature in individuals affected with WFS1-related conditions. Invitae Evidence Modeling of protein sequence and biophysical properties (such as structural, functional, and spatial information, amino acid conservation, physicochemical variation, residue mobility, and thermodynamic stability) indicates that this missense variant is not expected to disrupt WFS1 protein function with a negative predictive value of 95%. In summary, the available evidence is currently insufficient to determine the role of this variant in disease. Therefore, it has been classified as a Variant of Uncertain Significance.

NM_006005.3(WFS1):c.2042C>A (p.Thr681Asn)

Gene: WFS1 (wolframin ER transmembrane glycoprotein; plus strand). Cytogenetic location: 4p16.1.
Variant type: single nucleotide variant.
Coding change: c.2042C>A on transcript NM_006005.3 (MANE Select); coding-DNA position 2042, C replaced by A.
Protein change: p.Thr681Asn; replaces threonine 681 with asparagine.
Molecular consequence: missense variant.
Genome position (GRCh38, 1-based): chr4:6,301,837, C>A. VCF-style: chr4-6301837-C-A. GRCh37 (hg19) VCF-style: chr4-6303564-C-A.
Other names: c.2042C>A, p.Thr681Asn (NM_001145853.1); short protein forms T681N.
Identifiers: ClinVar variation 3637012 (VCV003637012.2).
Genomic context (GRCh38, chr4:6,301,837, plus strand): 5'-ACTCCACACTGACCTGGCAGCAGTATGGTGCGCTGTGCGGGCCACGCGCCTGGAAGGAGA[C>A]CAACATGGCGCGCACCCAGATCCTCTGCAGCCACCTGGAGGGCCACAGGGTCACGTGGAC-3'
Protein context (NP_005996.2, residues 671-691): ALCGPRAWKE[Thr681Asn]NMARTQILCS